The following is an entry in ClinVar:

NM_024884.3(L2HGDH):c.683G>A (p.Ser228Asn)

Gene: L2HGDH (L-2-hydroxyglutarate dehydrogenase; minus strand). Cytogenetic location: 14q21.3.
Variant type: single nucleotide variant.
Coding change: c.683G>A on transcript NM_024884.3 (MANE Select); coding-DNA position 683, G replaced by A.
Protein change: p.Ser228Asn; replaces serine 228 with asparagine.
Molecular consequence: missense variant.
Genome position (GRCh38, 1-based): chr14:50,283,891, C>T on the plus strand (G>A on the coding strand, the complement: L2HGDH is on the minus strand). VCF-style: chr14-50283891-C-T. GRCh37 (hg19) VCF-style: chr14-50750609-C-T.
Other names: c.683G>A, p.Ser228Asn (NM_001425212.1); c.572G>A, p.Ser191Asn (NM_001425213.1, NM_001425214.1); c.137G>A, p.Ser46Asn (NM_001425215.1, NM_001425216.1, NM_001425217.1 and 1 more transcripts); short protein forms S46N, S228N, S191N.
Identifiers: ClinVar variation 4747823 (VCV004747823.1).

ClinVar aggregate classification (germline): Uncertain significance (1 of 4 stars; one submission).

Conditions:
L-2-hydroxyglutaric aciduria (L2HGA). Identifiers: Orphanet 79314, MedGen C1855995, MONDO:0009370, OMIM 236792, HP:0040144.

gnomAD v4.1: 40 of 1,613,964 alleles (0.0025%); highest among the groups gnomAD compares: South Asian, 0.042%; 2 homozygotes.

Submission:

Labcorp Genetics (formerly Invitae), Labcorp
Classification: Uncertain significance for L-2-hydroxyglutaric aciduria. Last evaluated: 2025-11-27. Review status: criteria provided, single submitter. Criteria: Invitae Variant Classification Sherloc (09022015). Collection method: clinical testing. Allele origin: germline.
Comment: This sequence change replaces serine, which is neutral and polar, with asparagine, which is neutral and polar, at codon 228 of the L2HGDH protein (p.Ser228Asn). This variant is present in population databases (rs561638861, gnomAD 0.04%). This variant has not been reported in the literature in individuals affected with L2HGDH-related conditions. Invitae Evidence Modeling of protein sequence and biophysical properties (such as structural, functional, and spatial information, amino acid conservation, physicochemical variation, residue mobility, and thermodynamic stability) indicates that this missense variant is not expected to disrupt L2HGDH protein function with a negative predictive value of 95%. In summary, the available evidence is currently insufficient to determine the role of this variant in disease. Therefore, it has been classified as a Variant of Uncertain Significance.